The following is an entry in ClinVar:

NM_006618.5(KDM5B):c.133C>T (p.Pro45Ser)

Genes: KDM5B (lysine demethylase 5B; minus strand), LOC129932249 (ATAC-STARR-seq lymphoblastoid silent region 1705; plus strand). Cytogenetic location: 1q32.1.
Variant type: single nucleotide variant.
Coding change: c.133C>T on transcript NM_006618.5 (MANE Select); coding-DNA position 133, C replaced by T.
Protein change: p.Pro45Ser; replaces proline 45 with serine.
Molecular consequence: missense variant.
Genome position (GRCh38, 1-based): chr1:202,808,173, G>A on the plus strand (C>T on the coding strand, the complement: KDM5B is on the minus strand). VCF-style: chr1-202808173-G-A. GRCh37 (hg19) VCF-style: chr1-202777301-G-A.
Other names: c.133C>T, p.Pro45Ser (NM_001314042.2, NM_001347591.2, NM_001399817.1); short protein forms P45S.
Identifiers: ClinVar variation 1325503 (VCV001325503.2), dbSNP rs2102361277, ClinGen allele CA344269213.

ClinVar aggregate classification (germline): Uncertain significance (1 of 4 stars; one submission).

Allele frequency attached by ClinVar (database versions not stated): gnomAD exomes below 0.00001.
gnomAD v4.1: 1 of 1,613,210 alleles (0.000062%); highest among the groups gnomAD compares: Non-Finnish European, 0.000085%; no homozygotes.

Submission:

New York Genome Center
Classification: Uncertain significance. Last evaluated: 2020-05-21. Review status: criteria provided, single submitter. Criteria: NYGC Assertion Criteria 2020. Collection method: clinical testing. Allele origin: germline. Affected: yes. Observed: 1 heterozygote. Study: CSER-NYCKidSeq.
Comment: The c.133C>T (p.Pro45Ser) variant in exon 1 of 28 of KDM5B has not been reported in affected individuals in the available literature. This variant is not present in gnomAD indicating it is not a common benign variant in the populations represented in this database. The p.Pro45Ser variant is localized in the conserved JmjN domain and in silico predictors suggest this variant is Damaging (Provean; score: -6.67), Damaging (SIFT; score: 0.002) and Benign (REVEL score 0.5659). Given the evidence regarding its pathogenicity, the c.133C>T (p. Pro45Ser) variant identified in the KDM5B gene is classified as a Variant of Uncertain Significance.